The following is an entry in ClinVar:

NM_004187.5(KDM5C):c.2228G>T (p.Ser743Ile)

Gene: KDM5C (lysine demethylase 5C; minus strand). Cytogenetic location: Xp11.22.
Variant type: single nucleotide variant.
Coding change: c.2228G>T on transcript NM_004187.5 (MANE Select); coding-DNA position 2228, G replaced by T.
Protein change: p.Ser743Ile; replaces serine 743 with isoleucine.
Molecular consequence: missense variant. On other transcripts: non-coding transcript variant (3).
Genome position (GRCh38, 1-based): chrX:53,198,992, C>A on the plus strand (G>T on the coding strand, the complement: KDM5C is on the minus strand). VCF-style: chrX-53198992-C-A. GRCh37 (hg19) VCF-style: chrX-53228174-C-A.
Other names: c.2027G>T, p.Ser676Ile (NM_001146702.2); c.2225G>T, p.Ser742Ile (NM_001282622.3, NM_001353979.2, NM_001353982.2); c.2228G>T, p.Ser743Ile (NM_001353978.3, NM_001353981.2, NM_001353984.2); short protein forms S676I, S742I, S743I.
Identifiers: ClinVar variation 5037211 (VCV005037211.1).
Genomic context (GRCh38, chrX:53,198,992, plus strand): 5'-CATCCTCCTTCTTGCCCCACTTCCTCCAGAAAGGCCCATGCTCACCGCAGGTACTGCCGG[C>A]TACTGGAGCACTTGCAGAGATCATTGATGTGGGAAAGGCAGACAAGGCCGTCTGGGCAGT-3'
Protein context (NP_004178.2, residues 733-753): HINDLCKCSS[Ser743Ile]RQYLRYRYTL

ClinVar aggregate classification (germline): Uncertain significance (1 of 4 stars; one submission).

Submission:

GeneDx
Classification: Uncertain significance. Last evaluated: 2026-04-15. Review status: criteria provided, single submitter. Criteria: GeneDx Variant Classification Process June 2021. Collection method: clinical testing. Allele origin: germline.
Comment: Not observed at significant frequency in large population cohorts (gnomAD); In silico analysis supports that this missense variant has a deleterious effect on protein structure/function; Has not been previously published as pathogenic or benign to our knowledge